The following is an entry in ClinVar:

NM_004656.4(BAP1):c.266A>T (p.Asn89Ile)

Gene: BAP1 (BRCA1 associated deubiquitinase 1; minus strand). Cytogenetic location: 3p21.1.
Variant type: single nucleotide variant.
Coding change: c.266A>T on transcript NM_004656.4 (MANE Select); coding-DNA position 266, A replaced by T.
Protein change: p.Asn89Ile; replaces asparagine 89 with isoleucine.
Molecular consequence: missense variant.
Genome position (GRCh38, 1-based): chr3:52,408,067, T>A on the plus strand (A>T on the coding strand, the complement: BAP1 is on the minus strand). VCF-style: chr3-52408067-T-A. GRCh37 (hg19) VCF-style: chr3-52442083-T-A.
Other names: c.266A>T, p.Asn89Ile (NM_001410772.1); short protein forms N89I.
Identifiers: ClinVar variation 3818928 (VCV003818928.1).

ClinVar aggregate classification (germline): Uncertain significance (1 of 4 stars; one submission).

Conditions:
Hereditary cancer-predisposing syndrome. Also called: Hereditary neoplastic syndrome; Neoplastic Syndromes, Hereditary; Tumor predisposition; Hereditary Cancer Syndrome. Identifiers: Orphanet 140162, MedGen C0027672, MeSH D009386, MONDO:0015356.

Submission:

Ambry Genetics
Classification: Uncertain significance for Hereditary cancer-predisposing syndrome. Last evaluated: 2025-01-03. Review status: criteria provided, single submitter. Criteria: Ambry Variant Classification Scheme 2023. Collection method: clinical testing. Allele origin: germline.
Comment: The p.N89I variant (also known as c.266A>T), located in coding exon 5 of the BAP1 gene, results from an A to T substitution at nucleotide position 266. The asparagine at codon 89 is replaced by isoleucine, an amino acid with dissimilar properties. This amino acid position is conserved. In addition, the in silico prediction for this alteration is inconclusive. Based on the available evidence, the clinical significance of this variant remains unclear.